The following is an entry in ClinVar:

NM_000368.5(TSC1):c.1928C>T (p.Thr643Ile)

Gene: TSC1 (TSC complex subunit 1; minus strand). Cytogenetic location: 9q34.13.
Variant type: single nucleotide variant.
Coding change: c.1928C>T on transcript NM_000368.5 (MANE Select); coding-DNA position 1928, C replaced by T.
Protein change: p.Thr643Ile; replaces threonine 643 with isoleucine.
Molecular consequence: missense variant. On other transcripts: non-coding transcript variant (5).
Genome position (GRCh38, 1-based): chr9:132,905,650, G>A on the plus strand (C>T on the coding strand, the complement: TSC1 is on the minus strand). VCF-style: chr9-132905650-G-A. GRCh37 (hg19) VCF-style: chr9-135781037-G-A.
Other names: c.1928C>T, p.Thr643Ile (NM_001406595.1, NM_001406596.1, NM_001406601.1 and 7 more transcripts); c.1925C>T, p.Thr642Ile (NM_001406597.1, NM_001406598.1, NM_001406599.1 and 6 more transcripts); c.1565C>T, p.Thr522Ile (NM_001406614.1, NM_001406615.1, NM_001406616.1 and 5 more transcripts); c.1562C>T, p.Thr521Ile (NM_001406620.1, NM_001406621.1, NM_001406622.1 and 2 more transcripts); c.977C>T, p.Thr326Ile (NM_001406626.1); c.974C>T, p.Thr325Ile (NM_001406627.1, NM_001406628.1); c.875C>T, p.Thr292Ile (NM_001406629.1, NM_001406630.1); c.1775C>T, p.Thr592Ile (NM_001162427.2, NM_001406610.1); and 1 more; short protein forms T521I, T642I, T326I, T643I, T292I, T325I, T522I, T591I.
Identifiers: ClinVar variation 4844235 (VCV004844235.1).

ClinVar aggregate classification (germline): Uncertain significance (1 of 4 stars; one submission).

Conditions:
Hereditary cancer-predisposing syndrome. Also called: Neoplastic Syndromes, Hereditary; Tumor predisposition; Hereditary Cancer Syndrome; Hereditary neoplastic syndrome. Identifiers: Orphanet 140162, MedGen C0027672, MeSH D009386, MONDO:0015356.

Submission:

Ambry Genetics
Classification: Uncertain significance for Hereditary cancer-predisposing syndrome. Last evaluated: 2026-02-18. Review status: criteria provided, single submitter. Criteria: Ambry Variant Classification Scheme 2023. Collection method: clinical testing. Allele origin: germline.
Comment: The p.T643I variant (also known as c.1928C>T), located in coding exon 13 of the TSC1 gene, results from a C to T substitution at nucleotide position 1928. The threonine at codon 643 is replaced by isoleucine, an amino acid with similar properties. This amino acid position is conserved. In addition, this alteration is predicted to be tolerated by in silico analysis. Based on the available evidence, the clinical significance of this variant remains unclear.